The following is an entry in ClinVar:

NM_020999.4(NEUROG3):c.432C>G (p.His144Gln)

Gene: NEUROG3 (neurogenin 3; minus strand). Cytogenetic location: 10q22.1.
Variant type: single nucleotide variant.
Coding change: c.432C>G on transcript NM_020999.4 (MANE Select); coding-DNA position 432, C replaced by G.
Protein change: p.His144Gln; replaces histidine 144 with glutamine.
Molecular consequence: missense variant.
Genome position (GRCh38, 1-based): chr10:69,572,612, G>C on the plus strand (C>G on the coding strand, the complement: NEUROG3 is on the minus strand). VCF-style: chr10-69572612-G-C. GRCh37 (hg19) VCF-style: chr10-71332368-G-C.
Other names: short protein forms H144Q.
Identifiers: ClinVar variation 2414332 (VCV002414332.4), dbSNP rs773121786, ClinGen allele CA5533709.
Genomic context (GRCh38, chr10:69,572,612, plus strand): 5'-ACCGCCTGGGCTGCCCAGCTCCCCGCAGTGCGGCGCCGGCGGCTCCAGCGCGTACAAGCT[G>C]TGGTCCGCTATGCGCAGCGTTTGAGTCAGCGCCCAGATGTAGTTGTGGGCGAAGCGCAGC-3'
Protein context (NP_066279.2, residues 134-154): ALTQTLRIAD[His144Gln]SLYALEPPAP

ClinVar aggregate classification (germline): Uncertain significance (1 of 4 stars; one submission).

Allele frequency attached by ClinVar (database versions not stated): ExAC 0.00001; gnomAD exomes 0.00001; gnomAD 0.00003; TOPMed 0.00003.
gnomAD v4.1: 13 of 1,613,948 alleles (0.00081%); highest among the groups gnomAD compares: Non-Finnish European, 0.001%; no homozygotes.

Submission:

Labcorp Genetics (formerly Invitae), Labcorp
Classification: Uncertain significance. Last evaluated: 2022-10-01. Review status: criteria provided, single submitter. Criteria: Invitae Variant Classification Sherloc (09022015). Collection method: clinical testing. Allele origin: germline.
Comment: In summary, the available evidence is currently insufficient to determine the role of this variant in disease. Therefore, it has been classified as a Variant of Uncertain Significance. This variant has not been reported in the literature in individuals affected with NEUROG3-related conditions. This sequence change replaces histidine, which is basic and polar, with glutamine, which is neutral and polar, at codon 144 of the NEUROG3 protein (p.His144Gln). This variant is present in population databases (rs773121786, gnomAD 0.002%). Algorithms developed to predict the effect of missense changes on protein structure and function (SIFT, PolyPhen-2, Align-GVGD) all suggest that this variant is likely to be tolerated.